The following is an entry in ClinVar:

ClinVar aggregate classification (germline): Uncertain significance. Review status: criteria provided, multiple submitters, no conflicts (2 of 4 stars). 2 submissions from 2 submitters: Uncertain significance (2). Last evaluated 2022-04-25.

Conditions:
Inborn genetic diseases. Identifiers: MedGen C0950123, MeSH D030342.

Allele frequency attached by ClinVar (database versions not stated): ExAC 0.00001; gnomAD 0.00001.
gnomAD v4.1: 11 of 1,614,022 alleles (0.00068%); highest among the groups gnomAD compares: Admixed American, 0.0017%; no homozygotes.

Submissions (2):

Ambry Genetics
Classification: Uncertain significance for Inborn genetic diseases. Last evaluated: 2022-04-25. Review status: criteria provided, single submitter. Criteria: Ambry Variant Classification Scheme 2023. Collection method: clinical testing. Allele origin: germline.

Labcorp Genetics (formerly Invitae), Labcorp
Classification: Uncertain significance. Last evaluated: 2022-03-30. Review status: criteria provided, single submitter. Criteria: Invitae Variant Classification Sherloc (09022015). Collection method: clinical testing. Allele origin: germline.
Comment: This variant is present in population databases (rs746796915, gnomAD 0.02%). In summary, the available evidence is currently insufficient to determine the role of this variant in disease. Therefore, it has been classified as a Variant of Uncertain Significance. Algorithms developed to predict the effect of missense changes on protein structure and function are either unavailable or do not agree on the potential impact of this missense change (SIFT: "Tolerated"; PolyPhen-2: "Possibly Damaging"; Align-GVGD: "Class C0"). This variant has not been reported in the literature in individuals affected with CSF2RB-related conditions. This sequence change replaces serine, which is neutral and polar, with arginine, which is basic and polar, at codon 355 of the CSF2RB protein (p.Ser355Arg).

NM_000395.3(CSF2RB):c.1065C>A (p.Ser355Arg)

Gene: CSF2RB (colony stimulating factor 2 receptor subunit beta; plus strand). Cytogenetic location: 22q12.3.
Variant type: single nucleotide variant.
Coding change: c.1065C>A on transcript NM_000395.3 (MANE Select); coding-DNA position 1065, C replaced by A.
Protein change: p.Ser355Arg; replaces serine 355 with arginine.
Molecular consequence: missense variant.
Genome position (GRCh38, 1-based): chr22:36,932,817, C>A. VCF-style: chr22-36932817-C-A. GRCh37 (hg19) VCF-style: chr22-37328859-C-A.
Other names: c.1083C>A, p.Ser361Arg (NM_001410827.1); short protein forms S361R, S355R.
Identifiers: ClinVar variation 1968178 (VCV001968178.6), dbSNP rs746796915, ClinGen allele CA10213686.